The following is an entry in ClinVar:

ClinVar aggregate classification (germline): Pathogenic. Review status: criteria provided, multiple submitters, no conflicts (2 of 4 stars). 3 submissions from 3 submitters: Pathogenic (3). Last evaluated 2024-06-25.

Allele frequency attached by ClinVar (database versions not stated): gnomAD exomes below 0.00001; ExAC 0.00002.
gnomAD v4.1: 3 of 1,614,044 alleles (0.00019%); highest among the groups gnomAD compares: Non-Finnish European, 0.00025%; no homozygotes.

Submissions (3):

Mayo Clinic Laboratories, Mayo Clinic
Classification: Pathogenic. Last evaluated: 2024-06-25. Review status: criteria provided, single submitter. Criteria: ACMG Guidelines, 2015. Collection method: clinical testing. Allele origin: germline. Observed: 1 variant allele.
Comment: PP1_strong, PVS1

GeneDx
Classification: Pathogenic. Last evaluated: 2022-09-08. Review status: criteria provided, single submitter. Criteria: GeneDx Variant Classification Process June 2021. Collection method: clinical testing. Allele origin: germline. Affected: yes.
Comment: Published functional studies demonstrate a damaging effect (Kim et al., 1998); Nonsense variant predicted to result in protein truncation or nonsense mediated decay in a gene for which loss of function is a known mechanism of disease; Not observed at significant frequency in large population cohorts (gnomAD); Also known as p.(S3750X) and apoB-83; This variant is associated with the following publications: (PMID: 1527480, 9502790)

Revvity Omics, Revvity
Classification: Pathogenic. Last evaluated: 2022-07-26. Review status: criteria provided, single submitter. Criteria: ACMG Guidelines, 2015. Collection method: clinical testing. Allele origin: germline.

Literature cited by the submitters: PubMed 1527480 (cited by Mayo Clinic Laboratories, Mayo Clinic).

NM_000384.3(APOB):c.11330C>A (p.Ser3777Ter)

Gene: APOB (apolipoprotein B; minus strand). Cytogenetic location: 2p24.1.
Variant type: single nucleotide variant.
Coding change: c.11330C>A on transcript NM_000384.3 (MANE Select); coding-DNA position 11330, C replaced by A.
Protein change: p.Ser3777Ter; replaces serine 3777 with a stop codon.
Molecular consequence: nonsense.
Genome position (GRCh38, 1-based): chr2:21,005,538, G>T on the plus strand (C>A on the coding strand, the complement: APOB is on the minus strand). VCF-style: chr2-21005538-G-T. GRCh37 (hg19) VCF-style: chr2-21228410-G-T.
Other names: p.Ser3777*; short protein forms S3777*.
Identifiers: ClinVar variation 1704963 (VCV001704963.5), dbSNP rs748311841, ClinGen allele CA046325.